The following is an entry in ClinVar:

NM_003242.6(TGFBR2):c.383del (p.Lys128fs)

Gene: TGFBR2 (transforming growth factor beta receptor 2; plus strand). Cytogenetic location: 3p24.1.
Variant type: Deletion.
Coding change: c.383del on transcript NM_003242.6 (MANE Select); coding-DNA position 383, one base deleted (A; older notation c.383delA).
Protein change: p.Lys128fs; shifts the reading frame from lysine 128.
Molecular consequence: frameshift variant.
Genome position (GRCh38, 1-based): chr3:30,650,389, A deleted; the last of 10 consecutive A bases (chr3:30,650,380-30,650,389); deleting any one gives the same sequence. VCF-style (leftmost placement, unchanged base first): chr3-30650379-GA-G. GRCh37 (hg19) VCF-style: chr3-30691871-GA-G.
Other names: c.383delA (NM_003242.6); c.383del (NM_003242.5); c.458delA, p.Lys153Serfs (NM_001024847.3, NM_001407126.1, NM_001407139.1); c.383delA, p.Lys128Serfs (NM_001407127.1, NM_001407130.1); c.410delA, p.Lys137Serfs (NM_001407128.1); c.278delA, p.Lys93Serfs (NM_001407129.1, NM_001407132.1, NM_001407133.1 and 3 more transcripts); short protein forms K153fs, K128fs.
Identifiers: ClinVar variation 477546 (VCV000477546.32), dbSNP rs79375991, ClinGen allele CA048107.
Genomic context (GRCh38, chr3:30,650,379, plus strand): 5'-AAGCTCCCCTACCATGACTTTATTCTGGAAGATGCTGCTTCTCCAAAGTGCATTATGAAG[GA>G]AAAAAAAAAGCCTGGTGAGACTTTCTTCATGTGTTCCTGTAGCTCTGATGAGTGCAATGA-3'

ClinVar aggregate classification (germline): Conflicting classifications of pathogenicity. Review status: criteria provided, conflicting classifications (1 of 4 stars). 11 submissions from 11 submitters: Likely pathogenic (1); Uncertain significance (4); Benign (2); Likely benign (1). 3 of the submissions do not count toward it. Last evaluated 2026-01-26.
ClinVar aggregate classification (oncogenicity): Likely oncogenic (1 of 4 stars; one submission).

Conditions:
Loeys-Dietz syndrome (LDS). Identifiers: Orphanet 60030, MedGen C2697932, MONDO:0018954.
Familial thoracic aortic aneurysm and aortic dissection (TAAD). Also called: Thoracic aortic aneurysms and dissections. Identifiers: Orphanet 91387, MedGen C4707243, MONDO:0019625.
Loeys-Dietz syndrome 2 (LDS2). Also called: Marfan syndrome, type 2 (formerly); AORTIC ANEURYSM, FAMILIAL THORACIC 3; MARFAN SYNDROME, TYPE II; TGFBR2-Related Loeys-Dietz Syndrome; Marfan Syndrome type 2; Marfan like connective tissue disorder. Identifiers: Orphanet 284973, Orphanet 558, MedGen C2674574, MONDO:0012427, OMIM 610168.
Neoplasm. Also called: Neoplasms; Neoplasm (disease); tumor. Identifiers: MedGen C0027651, MeSH D009369, MONDO:0005070, HP:0002664.

Submissions (12):

Center for Genomic Medicine, Rigshospitalet, Copenhagen University Hospital
Classification: Likely oncogenic for Neoplasm. Last evaluated: 2026-10-16. Review status: criteria provided, single submitter. Criteria: ClinGen/CGC/VICC Guidelines for Oncogenicity, 2022. Collection method: clinical testing. Allele origin: somatic. Affected: yes.

Women's Health and Genetics/Laboratory Corporation of America, LabCorp
Classification: Uncertain significance. Last evaluated: 2026-01-26. Review status: criteria provided, single submitter. Criteria: LabCorp Variant Classification Summary - May 2015. Collection method: clinical testing. Allele origin: germline.
Comment: Variant summary: TGFBR2 c.383delA (p.Lys128SerfsX35) results in a premature termination codon, predicted to cause a truncation of the encoded protein or absence of the protein due to nonsense mediated decay, however current evidence is not sufficient to establish loss of function as a mechanism for disease. The frequency data for this variant in gnomAD is considered unreliable, as metrics indicate poor data quality at this position. c.383delA has been observed in an individual affected with Loeys-Dietz syndrome 2 without clear evidence for causality (Wei_2016). These report(s) do not provide unequivocal conclusions about association of the variant with Loeys-Dietz syndrome 2. One publication reports experimental evidence evaluating an impact on protein function (Markowitz_1995), however, does not allow convincing conclusions about the variant effect. The following publications have been ascertained in the context of this evaluation (PMID: 7761852, 26948038). ClinVar contains an entry for this variant (Variation ID: 477546). Based on the evidence outlined above, the variant was classified as uncertain significance.

Labcorp Genetics (formerly Invitae), Labcorp
Classification: Uncertain significance for Familial thoracic aortic aneurysm and aortic dissection. Last evaluated: 2025-12-19. Review status: criteria provided, single submitter. Criteria: Invitae Variant Classification Sherloc (09022015). Collection method: clinical testing. Allele origin: germline.
Comment: This sequence change creates a premature translational stop signal (p.Lys128Serfs*35) in the TGFBR2 gene. It is expected to result in an absent or disrupted protein product. However, the current clinical and genetic evidence is not sufficient to establish whether loss-of-function variants in TGFBR2 cause disease. The frequency data for this variant in the population databases is considered unreliable, as metrics indicate poor data quality at this position in the gnomAD database. This premature translational stop signal has been observed in individual(s) with clinical features of Loeys-Dietz syndrome (PMID: 26948038, 37937776). ClinVar contains an entry for this variant (Variation ID: 477546). In summary, the available evidence is currently insufficient to determine the role of this variant in disease. Therefore, it has been classified as a Variant of Uncertain Significance.

Genomic Medicine Center of Excellence, King Faisal Specialist Hospital and Research Centre
Classification: Uncertain significance for Loeys-Dietz syndrome 2. Last evaluated: 2025-09-10. Review status: criteria provided, single submitter. Criteria: ACMG Guidelines, 2015. Collection method: clinical testing. Allele origin: germline.

GeneDx
Classification: Uncertain significance. Last evaluated: 2024-05-29. Review status: criteria provided, single submitter. Criteria: GeneDx Variant Classification Process June 2021. Collection method: clinical testing. Allele origin: germline. Affected: yes.
Comment: Frameshift variant predicted to result in protein truncation or nonsense mediated decay in a gene or region of a gene for which loss of function is not a well-established mechanism of disease; This variant is associated with the following publications: (PMID: 26948038, 28847661, 29951173, 23578328, 33105726, 31779681, 23585368, 34102952)

Color Diagnostics, LLC DBA Color Health
Classification: Likely benign for Familial thoracic aortic aneurysm and aortic dissection. Last evaluated: 2020-06-25. Review status: criteria provided, single submitter. Criteria: ACMG Guidelines, 2015. Collection method: clinical testing. Allele origin: germline.

Ambry Genetics
Classification: Benign for Familial thoracic aortic aneurysm and aortic dissection. Last evaluated: 2020-05-06. Review status: criteria provided, single submitter. Criteria: Ambry Variant Classification Scheme 2023. Collection method: clinical testing. Allele origin: germline.

ARUP Laboratories, Molecular Genetics and Genomics, ARUP Laboratories
Classification: Benign. Last evaluated: 2019-02-09. Review status: criteria provided, single submitter. Criteria: ARUP Molecular Germline Variant Investigation Process. Collection method: clinical testing. Allele origin: germline.

GeneID Lab - Advanced Molecular Diagnostics
Classification: Likely pathogenic for Loeys-Dietz syndrome. Last evaluated: 2018-03-10. Review status: criteria provided, single submitter. Criteria: ACMG Guidelines, 2015. Collection method: clinical testing. Allele origin: germline. Affected: no. Observed: 1 variant allele.
Comment: This variant results in an amino acid alteration replacing a lysine (K) with a serine (S) at position 128 creating a premature stop signal in the new reading frame noted as p K128Sfs*35. The substitution is predicted to result in a non-functional TGFBR2 protein, either through protein truncation or nonsense-mediated mRNA decay. This mutation is considered a non-tolerated amino acid change based on in silico prediction algorithms (disease causing), and it has not been reported in the ClinVar Database (NCBI National Library of Medicine, NIH, Bethesda MD), but it has been described in 3478 alleles out of 85936, in the ExAC database, all of them belonging to heterozygous carries of Latino origin. Based on these findings and the limited literature regarding this substitution we consider it as a likely pathogenic variant.

Clinical Genetics DNA and cytogenetics Diagnostics Lab, Erasmus MC, Erasmus Medical Center
Classification: Benign. Review status: no assertion criteria provided. Collection method: clinical testing. Allele origin: germline. Affected: yes. Study: VKGL Data-share Consensus. Not counted in ClinVar's aggregate classification.

Diagnostic Laboratory, Department of Genetics, University Medical Center Groningen
Classification: Benign. Review status: no assertion criteria provided. Collection method: clinical testing. Allele origin: germline. Affected: yes. Study: VKGL Data-share Consensus. Not counted in ClinVar's aggregate classification.

Genome Diagnostics Laboratory, University Medical Center Utrecht
Classification: Likely benign. Review status: no assertion criteria provided. Collection method: clinical testing. Allele origin: germline. Affected: yes. Study: VKGL Data-share Consensus. Not counted in ClinVar's aggregate classification.

Literature cited by the submitters: PubMed 7761852 (cited by Women's Health and Genetics/Laboratory Corporation of America, LabCorp); PubMed 26948038 (cited by Women's Health and Genetics/Laboratory Corporation of America, LabCorp and Labcorp Genetics (formerly Invitae), Labcorp); PubMed 37937776 (cited by Labcorp Genetics (formerly Invitae), Labcorp).